The following is an entry in ClinVar:

NM_022114.4(PRDM16):c.1517C>T (p.Thr506Met)

Gene: PRDM16 (PR/SET domain 16; plus strand). Cytogenetic location: 1p36.32.
Variant type: single nucleotide variant.
Coding change: c.1517C>T on transcript NM_022114.4 (MANE Select); coding-DNA position 1517, C replaced by T.
Protein change: p.Thr506Met; replaces threonine 506 with methionine.
Molecular consequence: missense variant.
Genome position (GRCh38, 1-based): chr1:3,411,714, C>T. VCF-style: chr1-3411714-C-T. GRCh37 (hg19) VCF-style: chr1-3328278-C-T.
Other names: c.1517C>T, p.Thr506Met (NM_199454.3); short protein forms T506M.
Identifiers: ClinVar variation 504755 (VCV000504755.9), dbSNP rs368543415, ClinGen allele CA544212.

ClinVar aggregate classification (germline): Uncertain significance. Review status: criteria provided, multiple submitters, no conflicts (2 of 4 stars). 2 submissions from 2 submitters: Uncertain significance (2). Last evaluated 2025-11-17.

Conditions:
Left ventricular noncompaction 8 (LVNC8). Identifiers: Orphanet 154, Orphanet 54260, MedGen C3809288, MONDO:0014152, OMIM 615373.

Allele frequency attached by ClinVar (database versions not stated): TOPMed 0.00003; gnomAD exomes 0.00004 and 0.00009; gnomAD 0.00005; ExAC 0.00008; ESP Exome Variant Server 0.00008.
gnomAD v4.1: 74 of 1,610,208 alleles (0.0046%); highest among the groups gnomAD compares: Admixed American, 0.0033%; 1 homozygote.

Submissions (2):

Labcorp Genetics (formerly Invitae), Labcorp
Classification: Uncertain significance for Left ventricular noncompaction 8. Last evaluated: 2025-11-17. Review status: criteria provided, single submitter. Criteria: Invitae Variant Classification Sherloc (09022015). Collection method: clinical testing. Allele origin: germline.
Comment: This sequence change replaces threonine, which is neutral and polar, with methionine, which is neutral and non-polar, at codon 506 of the PRDM16 protein (p.Thr506Met). This variant is present in population databases (rs368543415, gnomAD 0.2%), and has an allele count higher than expected for a pathogenic variant. This missense change has been observed in individual(s) with dilated cardiomyopathy (PMID: 31983221). ClinVar contains an entry for this variant (Variation ID: 504755). An algorithm developed to predict the effect of missense changes on protein structure and function (PolyPhen-2) suggests that this variant is likely to be tolerated. In summary, the available evidence is currently insufficient to determine the role of this variant in disease. Therefore, it has been classified as a Variant of Uncertain Significance.

Laboratory for Molecular Medicine, Mass General Brigham Personalized Medicine
Classification: Uncertain significance. Last evaluated: 2017-01-27. Review status: criteria provided, single submitter. Criteria: LMM Criteria. Collection method: clinical testing. Allele origin: germline. Observed: 1 variant allele.
Comment: The p.Thr506Met variant in PRDM16 has not been previously reported in individual s with cardiomyopathy, but has been identified in 9/65968 European chromosomes b y the Exome Aggregation Consortium (ExAC; dbSNP rs368543415). Computational prediction tools and conservation analysis do not pr ovide strong support for or against an impact to the protein. In summary, the cl inical significance of the p.Thr506Met variant is uncertain.

Literature cited by the submitters: PubMed 31983221 (cited by Labcorp Genetics (formerly Invitae), Labcorp).